The following is an entry in ClinVar:

NM_000138.5(FBN1):c.4943-318G>C

Gene: FBN1 (fibrillin 1; minus strand). Cytogenetic location: 15q21.1.
Variant type: single nucleotide variant.
Coding change: c.4943-318G>C on transcript NM_000138.5 (MANE Select); 318 bases into the intron before coding-DNA position 4943, G replaced by C.
Molecular consequence: intron variant.
Genome position (GRCh38, 1-based): chr15:48,464,339, C>G on the plus strand (G>C on the coding strand, the complement: FBN1 is on the minus strand). VCF-style: chr15-48464339-C-G. GRCh37 (hg19) VCF-style: chr15-48756536-C-G.
Identifiers: ClinVar variation 680685 (VCV000680685.1), dbSNP rs34539187, ClinGen allele CA14117722.

ClinVar aggregate classification (germline): Benign (1 of 4 stars; one submission).

Allele frequency attached by ClinVar (database versions not stated): 1000 Genomes Project 0.06749; 1000 Genomes Project 30x 0.06839; TOPMed 0.08715; gnomAD 0.09648 and 0.09806.
gnomAD v4.1: 14,735 of 152,062 alleles (9.7%); highest among the groups gnomAD compares: Non-Finnish European, 13%; 862 homozygotes.

Submission:

GeneDx
Classification: Benign. Last evaluated: 2018-06-14. Review status: criteria provided, single submitter. Criteria: GeneDx Variant Classification (06012015). Collection method: clinical testing. Allele origin: germline. Affected: yes.
Comment: This variant is considered likely benign or benign based on one or more of the following criteria: it is a conservative change, it occurs at a poorly conserved position in the protein, it is predicted to be benign by multiple in silico algorithms, and/or has population frequency not consistent with disease.